The following is an entry in ClinVar:

NM_000092.5(COL4A4):c.481G>C (p.Gly161Arg)

Gene: COL4A4 (collagen type IV alpha 4 chain; minus strand). Cytogenetic location: 2q36.3.
Variant type: single nucleotide variant.
Coding change: c.481G>C on transcript NM_000092.5 (MANE Select); coding-DNA position 481, G replaced by C.
Protein change: p.Gly161Arg; replaces glycine 161 with arginine.
Molecular consequence: missense variant.
Genome position (GRCh38, 1-based): chr2:227,118,653, C>G on the plus strand (G>C on the coding strand, the complement: COL4A4 is on the minus strand). VCF-style: chr2-227118653-C-G. GRCh37 (hg19) VCF-style: chr2-227983369-C-G.
Other names: p.(Gly161Arg); short protein forms G161R.
Identifiers: ClinVar variation 635444 (VCV000635444.29), dbSNP rs755961411, ClinGen allele CA2145657.

ClinVar aggregate classification (germline): Conflicting classifications of pathogenicity. Review status: criteria provided, conflicting classifications (1 of 4 stars). 10 submissions from 9 submitters: Pathogenic (3); Likely pathogenic (5); Uncertain significance (1). 1 of the submissions does not count toward it. Last evaluated 2026-05-27.

Conditions:
Autosomal recessive Alport syndrome (ATS2). Also called: ALPORT SYNDROME 2, AUTOSOMAL RECESSIVE; COL4A4 Alport Syndrome and Thin Basement Membrane Nephropathy; Alport syndrome type 2; COL4A3-Related Nephropathy. Identifiers: Orphanet 63, Orphanet 88919, MedGen C4746745, MONDO:0008762, OMIM 203780.
COL4A4-related disorder.
Autosomal dominant Alport syndrome (ATS3A). Also called: Alport syndrome dominant type; Renal failure and sensorineural hearing loss; ALPORT SYNDROME 3A, AUTOSOMAL DOMINANT. Identifiers: Orphanet 63, Orphanet 88918, MedGen C5882663, MONDO:0007086, OMIM 104200.
Hematuria, benign familial, 1 (BFH1). Also called: THIN MEMBRANE NEPHROPATHY. Identifiers: MedGen CN376803, MONDO:0007709, OMIM 141200.
Alport syndrome. Also called: Hemorrhagic familial nephritis; Hemorrhagic hereditary nephritis; Congenital hereditary hematuria. Identifiers: Orphanet 63, MedGen C1567741, MONDO:0018965.

Allele frequency attached by ClinVar (database versions not stated): ExAC 0.00001; gnomAD exomes 0.00001 and 0.00003; TOPMed 0.00001; gnomAD 0.00002.
gnomAD v4.1: 51 of 1,612,940 alleles (0.0032%); highest among the groups gnomAD compares: Non-Finnish European, 0.0037%; no homozygotes.

Submissions (10):

Centre de Génétique Humaine, Institut de Pathologie Et de Génétique
Classification: Likely pathogenic for Autosomal recessive Alport syndrome. Last evaluated: 2026-05-27. Review status: criteria provided, single submitter. Criteria: ACMG Guidelines, 2015. Collection method: clinical testing. Allele origin: germline. Inheritance: Autosomal recessive inheritance. Affected: yes. Observed: 1 variant allele, 1 compound heterozygote. Segregation with disease not observed.
Comment: This missense variant involves a moderately conserved glycine located in a ‘Gly-X-Y’ motif in collagenous region, which is characteristic of the pathogenic variants identified in the COL4A4 gene (PM1,PP2). This variant is rare: allelic frequency of 0.0031% in gnomAD v4.1.0 database (PM2). Another missense variant affecting the same residue described as LP in ClinVar: c.482G>T, p.Gly161Val (PM5). In silico analysis supports that this missense variant has a deleterious effect (PP3). Described as LP in the scientific litterature (PP5)

Centre de Génétique Humaine, Institut de Pathologie Et de Génétique
Classification: Likely pathogenic for Hematuria, benign familial, 1; Autosomal dominant Alport syndrome. Last evaluated: 2026-05-27. Review status: criteria provided, single submitter. Criteria: ACMG Guidelines, 2015. Collection method: clinical testing, case-control. Allele origin: germline, maternal, paternal. Inheritance: Autosomal dominant inheritance. Affected: yes. Observed: 8 variant alleles, 8 heterozygotes. Clinical features observed: Microscopic hematuria (HP:0002907), Moderate albuminuria (HP:0012594), Hypertensive disorder (HP:0000822), Stage 4 chronic kidney disease (HP:0012626), Stage 2 chronic kidney disease (HP:0012624), Stage 3 chronic kidney disease (HP:0012625), Proteinuria (HP:0000093), Focal segmental glomerulosclerosis (HP:0000097), Multiple renal cysts (HP:0005562). Segregation with disease observed.
Comment: the same text as in the submission from Centre de Génétique Humaine, Institut de Pathologie Et de Génétique above.

Labcorp Genetics (formerly Invitae), Labcorp
Classification: Pathogenic. Last evaluated: 2025-12-15. Review status: criteria provided, single submitter. Criteria: Invitae Variant Classification Sherloc (09022015). Collection method: clinical testing. Allele origin: germline.
Comment: This sequence change replaces glycine, which is neutral and non-polar, with arginine, which is basic and polar, at codon 161 of the COL4A4 protein (p.Gly161Arg). This variant is present in population databases (rs755961411, gnomAD 0.004%). This missense change has been observed in individuals with clinical features of Alport syndrome (PMID: 29854973; internal data). ClinVar contains an entry for this variant (Variation ID: 635444). Invitae Evidence Modeling of protein sequence and biophysical properties (such as structural, functional, and spatial information, amino acid conservation, physicochemical variation, residue mobility, and thermodynamic stability) indicates that this missense variant is expected to disrupt COL4A4 protein function with a positive predictive value of 95%. For these reasons, this variant has been classified as Pathogenic.

GeneDx
Classification: Uncertain significance. Last evaluated: 2025-10-30. Review status: criteria provided, single submitter. Criteria: GeneDx Variant Classification Process June 2021. Collection method: clinical testing. Allele origin: germline.
Comment: Observed with a variant in the COL4A3 gene in a patient with Alport syndrome in published literature (PMID: 29854973); Identified in cohorts of patients with focal and segmental glomerulosclerosis and other forms of kidney disease in published literature (PMID: 33712733, 31308072) but additional evidence is not available; In silico analysis supports that this missense variant has a deleterious effect on protein structure/function; Affects a glycine residue in a Gly-X-Y motif in the triple helical region of the COL4A4 gene; This variant is associated with the following publications: (PMID: 29854973, 36890159, 31308072, 33712733, 39333430)

Natera, Inc.
Classification: Likely pathogenic for Alport syndrome. Last evaluated: 2025-09-18. Review status: criteria provided, single submitter. Criteria: Natera Variant Classification Schema (03/2026). Collection method: clinical testing. Allele origin: germline.
Comment: The c.481G>C variant in COL4A4 is a missense variant predicted to cause substitution of glycine to arginine at amino acid 161. This variant is rare in the general population with a frequency below the threshold expected for the associated phenotype(s). This variant is located in a functionally critical region of the protein. Computational prediction algorithms indicate this variant is likely to affect gene or protein function. Given the available evidence, this variant is classified as Likely Pathogenic.

CeGaT Center for Human Genetics Tuebingen
Classification: Likely pathogenic. Last evaluated: 2024-12-01. Review status: criteria provided, single submitter. Criteria: CeGaT Center For Human Genetics Tuebingen Variant Classification Criteria Version 2. Collection method: clinical testing. Allele origin: germline. Affected: yes. Observed: 1 variant allele.
Comment: COL4A4: PM1:Strong, PM2, PS4:Moderate, PP4

Fulgent Genetics
Classification: Pathogenic for Hematuria, benign familial, 1; Autosomal recessive Alport syndrome. Last evaluated: 2024-06-11. Review status: criteria provided, single submitter. Criteria: ACMG Guidelines, 2015. Collection method: clinical testing. Allele origin: germline.

Blueprint Genetics
Classification: Likely pathogenic for COL4A4-related disorders. Last evaluated: 2023-10-06. Review status: criteria provided, single submitter. Criteria: ACMG Guidelines, 2015. Collection method: clinical testing. Allele origin: germline. Affected: yes. Observed: 2 variant alleles.

Genetics and Molecular Pathology, SA Pathology
Classification: Pathogenic for Hematuria, benign familial, 1. Last evaluated: 2023-02-15. Review status: criteria provided, single submitter. Criteria: ACMG Guidelines, 2015. Collection method: clinical testing. Allele origin: germline. Affected: yes.

Bioscientia Institut fuer Medizinische Diagnostik GmbH, Sonic Healthcare
Classification: Likely pathogenic for Autosomal dominant Alport syndrome. Last evaluated: 2018-11-09. Review status: no assertion criteria provided. Collection method: clinical testing. Allele origin: germline. Affected: yes. Not counted in ClinVar's aggregate classification.

Literature cited by the submitters: PubMed 31308072 (cited by Centre de Génétique Humaine, Institut de Pathologie Et de Génétique); PubMed 33712733 (cited by Centre de Génétique Humaine, Institut de Pathologie Et de Génétique); PubMed 39333430 (cited by Centre de Génétique Humaine, Institut de Pathologie Et de Génétique); PubMed 29854973 (cited by Labcorp Genetics (formerly Invitae), Labcorp).